The following is an entry in ClinVar:

ClinVar aggregate classification (germline): Uncertain significance. Review status: criteria provided, multiple submitters, no conflicts (2 of 4 stars). 3 submissions from 3 submitters: Uncertain significance (3). Last evaluated 2024-10-24.

Conditions:
Cardiovascular phenotype. Identifiers: MedGen CN230736.
Catecholaminergic polymorphic ventricular tachycardia 1. Also called: VENTRICULAR TACHYCARDIA, STRESS-INDUCED POLYMORPHIC 1; VENTRICULAR TACHYCARDIA, CATECHOLAMINERGIC POLYMORPHIC, 1, WITH OR WITHOUT ATRIAL DYSFUNCTION AND/OR DILATED CARDIOMYOPATHY; RYR2-Related Catecholaminergic Polymorphic Ventricular Tachycardia. Identifiers: Orphanet 3286, MedGen C1631597, MONDO:0011484, OMIM 604772.

Allele frequency attached by ClinVar (database versions not stated): gnomAD exomes 0.00001; ExAC 0.00002; TOPMed 0.00002; gnomAD 0.00003 and 0.00004; ESP Exome Variant Server 0.00017.
gnomAD v4.1: 25 of 1,608,126 alleles (0.0016%); highest among the groups gnomAD compares: Non-Finnish European, 0.0017%; no homozygotes.

Submissions (3):

Ambry Genetics
Classification: Uncertain significance for Cardiovascular phenotype. Last evaluated: 2024-10-24. Review status: criteria provided, single submitter. Criteria: Ambry Variant Classification Scheme 2023. Collection method: clinical testing. Allele origin: germline.
Comment: The p.A530G variant (also known as c.1589C>G), located in coding exon 27 of the TRDN gene, results from a C to G substitution at nucleotide position 1589. The alanine at codon 530 is replaced by glycine, an amino acid with similar properties. This amino acid position is poorly conserved in available vertebrate species. In addition, this alteration is predicted to be tolerated by in silico analysis. Since supporting evidence is limited at this time, the clinical significance of this alteration remains unclear.

Labcorp Genetics (formerly Invitae), Labcorp
Classification: Uncertain significance for Catecholaminergic polymorphic ventricular tachycardia 1. Last evaluated: 2022-04-25. Review status: criteria provided, single submitter. Criteria: Invitae Variant Classification Sherloc (09022015). Collection method: clinical testing. Allele origin: germline.
Comment: This sequence change replaces alanine, which is neutral and non-polar, with glycine, which is neutral and non-polar, at codon 530 of the TRDN protein (p.Ala530Gly). This variant is present in population databases (rs367716594, gnomAD 0.003%). This variant has not been reported in the literature in individuals affected with TRDN-related conditions. ClinVar contains an entry for this variant (Variation ID: 373543). Algorithms developed to predict the effect of missense changes on protein structure and function are either unavailable or do not agree on the potential impact of this missense change (SIFT: "Deleterious"; PolyPhen-2: "Benign"; Align-GVGD: "Class C0"). In summary, the available evidence is currently insufficient to determine the role of this variant in disease. Therefore, it has been classified as a Variant of Uncertain Significance.

GeneDx
Classification: Uncertain significance. Last evaluated: 2016-11-28. Review status: criteria provided, single submitter. Criteria: GeneDx Variant Classification (06012015). Collection method: clinical testing. Allele origin: germline. Affected: yes.
Comment: A variant of uncertain significance has been identified in the TRDN gene. The A530G variant has not been published as a pathogenic variant, nor has it been reported as a benign variant to our knowledge. This variant was not observed at a significant frequency in approximately 5,900 individuals of European and African American ancestry in the NHLBI Exome Sequencing Project, indicating it is not a common benign variant in these populations. However, the A530G variant is a conservative amino acid substitution, which is not likely to impact secondary protein structure as these residues share similar properties. This substitution occurs at a position that is not conserved across species, and in silico analysis predicts this variant likely does not alter the protein structure/function.Therefore, based on the currently available information, it is unclear whether this variant is pathogenic or benign.

NM_006073.4(TRDN):c.1589C>G (p.Ala530Gly)

Gene: TRDN (triadin; minus strand). Cytogenetic location: 6q22.31.
Variant type: single nucleotide variant.
Coding change: c.1589C>G on transcript NM_006073.4 (MANE Select); coding-DNA position 1589, C replaced by G.
Protein change: p.Ala530Gly; replaces alanine 530 with glycine.
Molecular consequence: missense variant.
Genome position (GRCh38, 1-based): chr6:123,274,649, G>C on the plus strand (C>G on the coding strand, the complement: TRDN is on the minus strand). VCF-style: chr6-123274649-G-C. GRCh37 (hg19) VCF-style: chr6-123595794-G-C.
Other names: short protein forms A530G.
Identifiers: ClinVar variation 373543 (VCV000373543.13), dbSNP rs367716594, ClinGen allele CA3983851.